The following is an entry in ClinVar:

ClinVar aggregate classification (germline): Likely pathogenic (1 of 4 stars; one submission).

Submission:

Labcorp Genetics (formerly Invitae), Labcorp
Classification: Likely pathogenic. Last evaluated: 2022-11-01. Review status: criteria provided, single submitter. Criteria: Invitae Variant Classification Sherloc (09022015). Collection method: clinical testing. Allele origin: germline.
Comment: In summary, the currently available evidence indicates that the variant is pathogenic, but additional data are needed to prove that conclusively. Therefore, this variant has been classified as Likely Pathogenic. Algorithms developed to predict the effect of sequence changes on RNA splicing suggest that this variant may disrupt the consensus splice site. ClinVar contains an entry for this variant (Variation ID: 1471203). This variant has not been reported in the literature in individuals affected with CTNNB1-related conditions. This variant is not present in population databases (gnomAD no frequency). This sequence change affects a donor splice site in intron 6 of the CTNNB1 gene. It is expected to disrupt RNA splicing. Variants that disrupt the donor or acceptor splice site typically lead to a loss of protein function (PMID: 16199547), and loss-of-function variants in CTNNB1 are known to be pathogenic (PMID: 23033978, 24614104, 25326669, 26350204, 28575650).

Literature cited by the submitters: PubMed 16199547; PubMed 23033978; PubMed 24614104; PubMed 25326669; PubMed 26350204; PubMed 28575650.

NM_001904.4(CTNNB1):c.936+1G>T

Gene: CTNNB1 (catenin beta 1; plus strand). Cytogenetic location: 3p22.1.
Variant type: single nucleotide variant.
Coding change: c.936+1G>T on transcript NM_001904.4 (MANE Select); the canonical splice donor site of the intron after coding-DNA position 936, G replaced by T.
Molecular consequence: splice donor variant.
Genome position (GRCh38, 1-based): chr3:41,225,862, G>T. VCF-style: chr3-41225862-G-T. GRCh37 (hg19) VCF-style: chr3-41267353-G-T.
Other names: c.915+1G>T (NM_001330729.2); c.936+1G>T (NM_001098209.2, NM_001098210.2).
Identifiers: ClinVar variation 1471203 (VCV001471203.6), dbSNP rs2125624969, ClinGen allele CA352230492.